The following is an entry in ClinVar:

NM_005343.4(HRAS):c.477G>A (p.Leu159=)

Genes: HRAS (HRas proto-oncogene, GTPase; minus strand), LRRC56 (leucine rich repeat containing 56; plus strand). Cytogenetic location: 11p15.5.
Variant type: single nucleotide variant.
Coding change: c.477G>A on transcript NM_005343.4 (MANE Select); coding-DNA position 477, G replaced by A.
Protein change: p.Leu159=; no amino-acid change (leucine 159 retained).
Molecular consequence: synonymous variant. On other transcripts: 3 prime UTR variant (1).
Genome position (GRCh38, 1-based): chr11:532,729, C>T on the plus strand (G>A on the coding strand, the complement: HRAS is on the minus strand). VCF-style: chr11-532729-C-T. GRCh37 (hg19) VCF-style: chr11-532729-C-T.
Other names: p.L159L; NM_005343.3(HRAS):c.477G>A; p.Leu159Leu; c.477G>A, p.Leu159= (NM_001130442.3); c.240G>A, p.Leu80= (NM_001318054.2); c.*46G>A (NM_176795.5).
Identifiers: ClinVar variation 40446 (VCV000040446.67), dbSNP rs140060409, ClinGen allele CA135990.

ClinVar aggregate classification (germline): Benign. Review status: reviewed by expert panel (3 of 4 stars). 16 submissions from 16 submitters: Benign (1). 15 of the submissions do not count toward it. Last evaluated 2017-04-18.

Conditions:
Noonan syndrome and Noonan-related syndrome. Identifiers: Orphanet 98733, MedGen C5681679, MONDO:0020297.
Hereditary cancer-predisposing syndrome. Also called: Neoplastic Syndromes, Hereditary; Hereditary neoplastic syndrome; Hereditary Cancer Syndrome; Tumor predisposition. Identifiers: Orphanet 140162, MedGen C0027672, MeSH D009386, MONDO:0015356.
Cardiovascular phenotype. Identifiers: MedGen CN230736.
RASopathy. Also called: rasopathies; Noonan spectrum disorder. Identifiers: Orphanet 536391, MedGen C5555857, MONDO:0021060.
Costello syndrome (CSTLO). Also called: HRAS-Related Costello Syndrome; FCS SYNDROME; FACIOCUTANEOSKELETAL SYNDROME. Identifiers: Orphanet 3071, MedGen C0587248, MONDO:0009026, OMIM 218040.

Allele frequency attached by ClinVar (database versions not stated): gnomAD exomes 0.00376 and 0.00150; 1000 Genomes Project 0.00060; gnomAD 0.00208 and 0.00222; 1000 Genomes Project 30x 0.00062; ExAC 0.00136; ESP Exome Variant Server 0.00277; TOPMed 0.00226.
gnomAD v4.1: 5,744 of 1,613,094 alleles (0.36%); highest among the groups gnomAD compares: Non-Finnish European, 0.46%; 17 homozygotes.

Submissions (18):

ClinGen RASopathy Variant Curation Expert Panel
Classification: Benign for Noonan syndrome and Noonan-related syndrome. Last evaluated: 2017-04-18. Review status: reviewed by expert panel. Criteria: ClinGen RASopathy ACMG Specifications v1. Collection method: curation. Allele origin: germline. Inheritance: Autosomal dominant inheritance.
Comment: The filtering allele frequency of the c.477G>A (p.Leu159=) variant in the HRAS gene is 0.185% (140/65296) of European chromosomes by the Exome Aggregation Consortium, which is a high enough frequency to be classified as benign based on thresholds defined by the ClinGen RASopathy Expert Panel (BA1; PMID:29493581)

CeGaT Center for Human Genetics Tuebingen
Classification: Likely benign. Last evaluated: 2026-09-01. Review status: criteria provided, single submitter. Criteria: CeGaT Center For Human Genetics Tuebingen Variant Classification Criteria Version 2. Collection method: clinical testing. Allele origin: germline. Affected: yes. Observed: 27 variant alleles. Not counted in ClinVar's aggregate classification.
Comment: HRAS: BP4, BP7, BS2

Labcorp Genetics (formerly Invitae), Labcorp
Classification: Benign for Costello syndrome. Last evaluated: 2026-02-03. Review status: criteria provided, single submitter. Criteria: Invitae Variant Classification Sherloc (09022015). Collection method: clinical testing. Allele origin: germline. Not counted in ClinVar's aggregate classification.

ARUP Laboratories, Molecular Genetics and Genomics, ARUP Laboratories
Classification: Benign. Last evaluated: 2025-03-27. Review status: criteria provided, single submitter. Criteria: ARUP Molecular Germline Variant Investigation Process 2024. Collection method: clinical testing. Allele origin: germline. Not counted in ClinVar's aggregate classification.

Blueprint Genetics
Classification: Likely benign. Last evaluated: 2024-11-18. Review status: criteria provided, single submitter. Criteria: ACMG Guidelines, 2015. Collection method: clinical testing. Allele origin: germline. Not counted in ClinVar's aggregate classification.

Mayo Clinic Laboratories, Mayo Clinic
Classification: Benign. Last evaluated: 2023-02-21. Review status: criteria provided, single submitter. Criteria: ACMG Guidelines, 2015. Collection method: clinical testing. Allele origin: germline. Observed: 18 variant alleles. Not counted in ClinVar's aggregate classification.
Comment: BA1, BP4, BP7

Genetic Services Laboratory, University of Chicago
Classification: Benign. Last evaluated: 2021-11-15. Review status: criteria provided, single submitter. Criteria: ACMG Guidelines, 2015. Collection method: clinical testing. Allele origin: germline. Affected: no. Not counted in ClinVar's aggregate classification.

Ambry Genetics
Classification: Benign for Cardiovascular phenotype. Last evaluated: 2021-07-22. Review status: criteria provided, single submitter. Criteria: Ambry Variant Classification Scheme 2023. Collection method: clinical testing. Allele origin: germline. Not counted in ClinVar's aggregate classification.

Genome Diagnostics Laboratory, The Hospital for Sick Children
Classification: Benign for Noonan syndrome and Noonan-related syndrome. Last evaluated: 2021-06-25. Review status: criteria provided, single submitter. Criteria: ACMG Guidelines, 2015. Collection method: clinical testing. Allele origin: germline. Not counted in ClinVar's aggregate classification.

Sema4
Classification: Benign for Hereditary cancer-predisposing syndrome. Last evaluated: 2020-11-05. Review status: criteria provided, single submitter. Criteria: Sema4 Curation Guidelines. Collection method: curation. Allele origin: germline. Not counted in ClinVar's aggregate classification.

GeneDx
Classification: Benign. Last evaluated: 2015-03-03. Review status: criteria provided, single submitter. Criteria: GeneDx Variant Classification Process June 2021. Collection method: clinical testing. Allele origin: germline. Affected: yes. Not counted in ClinVar's aggregate classification.

Laboratory for Molecular Medicine, Mass General Brigham Personalized Medicine
Classification: Benign. Last evaluated: 2011-12-22. Review status: criteria provided, single submitter. Criteria: LMM Criteria. Collection method: clinical testing. Allele origin: germline. Observed: 14 variant alleles. Not counted in ClinVar's aggregate classification.
Comment: Leu159Leu in Exon 05B of HRAS: This variant is not expected to have clinical sig nificance because it does not alter an amino acid residue, is not located within the splice consensus sequence and has been identified in 0.4% (27/7020) of Euro pean American chromosomes from a broad population by the NHLBI Exome Sequencing Project (dbSNP rs140060409).

Breakthrough Genomics
Classification: Benign. Review status: criteria provided, single submitter. Criteria: ACMG Guidelines, 2015. Collection method: not provided. Allele origin: germline. Inheritance: Autosomal dominant inheritance. Affected: yes. Not counted in ClinVar's aggregate classification.

PreventionGenetics, part of Exact Sciences
Classification: Likely benign. Review status: criteria provided, single submitter. Criteria: ACMG Guidelines, 2015. Collection method: clinical testing. Allele origin: germline. Not counted in ClinVar's aggregate classification.

Clinical Genetics DNA and cytogenetics Diagnostics Lab, Erasmus MC, Erasmus Medical Center
Classification: Likely benign. Review status: no assertion criteria provided. Collection method: clinical testing. Allele origin: germline. Affected: yes. Study: VKGL Data-share Consensus. Not counted in ClinVar's aggregate classification.

Dr. Peter K. Rogan Lab, Western University
No classification provided (evidence only). Condition: Acute myeloid leukemia. Review status: no classification provided. Collection method: in vitro. Allele origin: not applicable. Functional consequence: retained intron. Not counted in ClinVar's aggregate classification.

Dr. Peter K. Rogan Lab, Western University
No classification provided (evidence only). Condition: Uterine corpus endometrial carcinoma. Review status: no classification provided. Collection method: in vitro. Allele origin: not applicable. Functional consequence: retained intron. Not counted in ClinVar's aggregate classification.

Joint Genome Diagnostic Labs from Nijmegen and Maastricht, Radboudumc and MUMC+
Classification: Likely benign. Review status: no assertion criteria provided. Collection method: clinical testing. Allele origin: germline. Affected: yes. Study: VKGL Data-share Consensus. Not counted in ClinVar's aggregate classification.